The following is an entry in ClinVar:

NM_000053.4(ATP7B):c.3454G>A (p.Glu1152Lys)

Gene: ATP7B (ATPase copper transporting beta; minus strand). Cytogenetic location: 13q14.3.
Variant type: single nucleotide variant.
Coding change: c.3454G>A on transcript NM_000053.4 (MANE Select); coding-DNA position 3454, G replaced by A.
Protein change: p.Glu1152Lys; replaces glutamic acid 1152 with lysine.
Molecular consequence: missense variant.
Genome position (GRCh38, 1-based): chr13:51,941,183, C>T on the plus strand (G>A on the coding strand, the complement: ATP7B is on the minus strand). VCF-style: chr13-51941183-C-T. GRCh37 (hg19) VCF-style: chr13-52515319-C-T.
Other names: c.2833G>A, p.Glu945Lys (NM_001005918.3); c.3121G>A, p.Glu1041Lys (NM_001243182.2); c.3220G>A, p.Glu1074Lys (NM_001330578.2, NM_001406527.1, NM_001406528.1); c.3202G>A, p.Glu1068Lys (NM_001330579.2, NM_001406531.1, NM_001406532.1); c.3454G>A, p.Glu1152Lys (NM_001406511.1, NM_001406512.1, NM_001406526.1); c.3448G>A, p.Glu1150Lys (NM_001406513.1); c.3421G>A, p.Glu1141Lys (NM_001406514.1); c.3400G>A, p.Glu1134Lys (NM_001406515.1, NM_001406516.1); and 18 more; short protein forms E1003K, E1056K, E1074K, E1087K, E1091K, E1120K, E1068K, E1093K.
Identifiers: ClinVar variation 1946981 (VCV001946981.5), dbSNP rs2547601076, ClinGen allele CA388026608.

ClinVar aggregate classification (germline): Uncertain significance (1 of 4 stars; one submission).

Conditions:
Wilson disease (WND). Also called: Wilson's disease. Identifiers: Orphanet 905, MedGen C0019202, MONDO:0010200, OMIM 277900. Disease mechanism: loss of function.

Submission:

Labcorp Genetics (formerly Invitae), Labcorp
Classification: Uncertain significance for Wilson disease. Last evaluated: 2022-04-04. Review status: criteria provided, single submitter. Criteria: Invitae Variant Classification Sherloc (09022015). Collection method: clinical testing. Allele origin: germline.
Comment: In summary, the available evidence is currently insufficient to determine the role of this variant in disease. Therefore, it has been classified as a Variant of Uncertain Significance. Advanced modeling of protein sequence and biophysical properties (such as structural, functional, and spatial information, amino acid conservation, physicochemical variation, residue mobility, and thermodynamic stability) performed at Invitae indicates that this missense variant is expected to disrupt ATP7B protein function. This variant has not been reported in the literature in individuals affected with ATP7B-related conditions. This variant is not present in population databases (gnomAD no frequency). This sequence change replaces glutamic acid, which is acidic and polar, with lysine, which is basic and polar, at codon 1152 of the ATP7B protein (p.Glu1152Lys).